The following is an entry in ClinVar:

NM_017755.6(NSUN2):c.2273G>A (p.Cys758Tyr)

Gene: NSUN2 (NOP2/Sun RNA methyltransferase 2; minus strand). Cytogenetic location: 5p15.31.
Variant type: single nucleotide variant.
Coding change: c.2273G>A on transcript NM_017755.6 (MANE Select); coding-DNA position 2273, G replaced by A.
Protein change: p.Cys758Tyr; replaces cysteine 758 with tyrosine.
Molecular consequence: missense variant. On other transcripts: non-coding transcript variant (1).
Genome position (GRCh38, 1-based): chr5:6,599,957, C>T on the plus strand (G>A on the coding strand, the complement: NSUN2 is on the minus strand). VCF-style: chr5-6599957-C-T. GRCh37 (hg19) VCF-style: chr5-6600070-C-T.
Other names: c.2168G>A, p.Cys723Tyr (NM_001193455.2); c.2273G>A (NM_017755.5); short protein forms C758Y, C723Y.
Identifiers: ClinVar variation 2782291 (VCV002782291.2), dbSNP rs747294033, ClinGen allele CA3192134.

ClinVar aggregate classification (germline): Uncertain significance. Review status: criteria provided, multiple submitters, no conflicts (2 of 4 stars). 2 submissions from 2 submitters: Uncertain significance (2). Last evaluated 2025-08-25.

Conditions:
Inborn genetic diseases. Identifiers: MedGen C0950123, MeSH D030342.

Allele frequency attached by ClinVar (database versions not stated): ExAC 0.00002; gnomAD exomes 0.00002; TOPMed 0.00002; gnomAD 0.00003.
gnomAD v4.1: 27 of 1,613,896 alleles (0.0017%); highest among the groups gnomAD compares: African/African-American, 0.0053%; 1 homozygote.

Submissions (2):

Ambry Genetics
Classification: Uncertain significance for Inborn genetic diseases. Last evaluated: 2025-08-25. Review status: criteria provided, single submitter. Criteria: Ambry Variant Classification Scheme 2023. Collection method: clinical testing. Allele origin: germline.

Labcorp Genetics (formerly Invitae), Labcorp
Classification: Uncertain significance. Last evaluated: 2022-11-03. Review status: criteria provided, single submitter. Criteria: Invitae Variant Classification Sherloc (09022015). Collection method: clinical testing. Allele origin: germline.
Comment: Algorithms developed to predict the effect of missense changes on protein structure and function are either unavailable or do not agree on the potential impact of this missense change (SIFT: "Deleterious"; PolyPhen-2: "Benign"; Align-GVGD: "Class C0"). This variant has not been reported in the literature in individuals affected with NSUN2-related conditions. This variant is present in population databases (rs747294033, gnomAD 0.007%). This sequence change replaces cysteine, which is neutral and slightly polar, with tyrosine, which is neutral and polar, at codon 758 of the NSUN2 protein (p.Cys758Tyr). In summary, the available evidence is currently insufficient to determine the role of this variant in disease. Therefore, it has been classified as a Variant of Uncertain Significance.